The following is an entry in ClinVar:

ClinVar aggregate classification (germline): Pathogenic (1 of 4 stars; one submission).

Conditions:
Leber congenital amaurosis 2 (LCA2). Also called: AMAUROSIS CONGENITA OF LEBER II; Autosomal Recessive RPE65-Related Retinal Degeneration. Identifiers: Orphanet 65, MedGen C1859844, MONDO:0008765, OMIM 204100. Disease mechanism: loss of function.
Retinitis pigmentosa 20 (RP20). Identifiers: Orphanet 791, MedGen C3151086, MONDO:0013425, OMIM 613794.

Submission:

Labcorp Genetics (formerly Invitae), Labcorp
Classification: Pathogenic for Leber congenital amaurosis 2; Retinitis pigmentosa 20. Last evaluated: 2022-02-04. Review status: criteria provided, single submitter. Criteria: Invitae Variant Classification Sherloc (09022015). Collection method: clinical testing. Allele origin: germline.
Comment: For these reasons, this variant has been classified as Pathogenic. This variant has not been reported in the literature in individuals affected with RPE65-related conditions. This variant is a gross deletion of the genomic region encompassing exon(s) 1-10 of the RPE65 gene, which includes the initiator codon. This deletion extends beyond the assayed region for this gene and therefore may encompass additional genes. It is expected to result in an absent or disrupted protein product. Loss-of-function variants in RPE65 are known to be pathogenic (PMID: 9326941, 9501220, 9843205, 18632300).

Literature cited by the submitters: PubMed 9326941; PubMed 9501220; PubMed 9843205; PubMed 18632300.

NC_000001.11:g.(?_68438187)_(68484090_?)del

Genes: DEPDC1 (DEP domain containing 1; minus strand), RPE65 (retinoid isomerohydrolase RPE65; minus strand). Cytogenetic location: 1p31.2.
Variant type: Deletion.
Identifiers: ClinVar variation 830561 (VCV000830561.6).